The following is an entry in ClinVar:

NM_024675.4(PALB2):c.2130G>T (p.Thr710=)

Gene: PALB2 (partner and localizer of BRCA2; minus strand). Cytogenetic location: 16p12.2.
Variant type: single nucleotide variant.
Coding change: c.2130G>T on transcript NM_024675.4 (MANE Select); coding-DNA position 2130, G replaced by T.
Protein change: p.Thr710=; no amino-acid change (threonine 710 retained).
Molecular consequence: synonymous variant. On other transcripts: intron variant (1).
Genome position (GRCh38, 1-based): chr16:23,630,024, C>A on the plus strand (G>T on the coding strand, the complement: PALB2 is on the minus strand). VCF-style: chr16-23630024-C-A. GRCh37 (hg19) VCF-style: chr16-23641345-C-A.
Other names: c.2070G>T, p.Thr690= (NM_001407296.1); c.2130G>T, p.Thr710= (NM_001407297.1, NM_001407298.1, NM_001407299.1 and 3 more transcripts); c.1245G>T, p.Thr415= (NM_001407304.1, NM_001407305.1, NM_001407306.1 and 5 more transcripts); c.342G>T, p.Thr114= (NM_001407312.1, NM_001407313.1); c.49-749G>T (NM_001407314.1).
Identifiers: ClinVar variation 1786400 (VCV001786400.8), dbSNP rs774049060, ClinGen allele CA494461163.

ClinVar aggregate classification (germline): Benign/Likely benign. Review status: criteria provided, multiple submitters, no conflicts (2 of 4 stars). 3 submissions from 3 submitters: Benign (1); Likely benign (2). Last evaluated 2025-01-15.

Conditions:
Hereditary cancer-predisposing syndrome. Also called: Neoplastic Syndromes, Hereditary; Tumor predisposition; Hereditary Cancer Syndrome; Hereditary neoplastic syndrome. Identifiers: Orphanet 140162, MedGen C0027672, MeSH D009386, MONDO:0015356.
Familial cancer of breast. Also called: BREAST CANCER, FAMILIAL; Hereditary breast cancer; hereditary breast carcinoma. Identifiers: Orphanet 227535, MedGen C0346153, MONDO:0016419, OMIM 114480. Disease mechanism: loss of function.

Submissions (3):

Myriad Genetics, Inc.
Classification: Benign for Familial cancer of breast. Last evaluated: 2025-01-15. Review status: criteria provided, single submitter. Criteria: Myriad Autosomal Dominant, Autosomal Recessive and X-Linked Classification Criteria (2023). Collection method: clinical testing. Allele origin: unknown.
Comment: This variant is considered benign. This variant is a silent/synonymous amino acid change and it is not expected to impact splicing.

Labcorp Genetics (formerly Invitae), Labcorp
Classification: Likely benign for Familial cancer of breast. Last evaluated: 2022-11-06. Review status: criteria provided, single submitter. Criteria: Invitae Variant Classification Sherloc (09022015). Collection method: clinical testing. Allele origin: germline.

Ambry Genetics
Classification: Likely benign for Hereditary cancer-predisposing syndrome. Last evaluated: 2020-08-20. Review status: criteria provided, single submitter. Criteria: Ambry Variant Classification Scheme 2023. Collection method: clinical testing. Allele origin: germline.